The following is an entry in ClinVar:

ClinVar aggregate classification (germline): Uncertain significance (1 of 4 stars; one submission).

Conditions:
Aicardi-Goutieres syndrome 7 (AGS7). Identifiers: Orphanet 51, MedGen C3888244, MONDO:0014367, OMIM 615846.
Singleton-Merten syndrome 1 (SGMRT1). Also called: Widened medullary cavities of bone, aortic calcification, abnormal dentition, and muscular weakness; Syndrome of widened medullary cavities of the metacarpals and phalanges, aortic calcification and abnormal dentition. Identifiers: Orphanet 85191, MedGen C4225427, MONDO:0024535, OMIM 182250.

Allele frequency attached by ClinVar (database versions not stated): gnomAD exomes below 0.00001.
gnomAD v4.1: 3 of 1,614,014 alleles (0.00019%); highest among the groups gnomAD compares: Non-Finnish European, 0.00025%; no homozygotes.

Submission:

Labcorp Genetics (formerly Invitae), Labcorp
Classification: Uncertain significance for Aicardi-Goutieres syndrome 7; Singleton-Merten syndrome 1. Last evaluated: 2022-03-14. Review status: criteria provided, single submitter. Criteria: Invitae Variant Classification Sherloc (09022015). Collection method: clinical testing. Allele origin: germline.
Comment: In summary, the available evidence is currently insufficient to determine the role of this variant in disease. Therefore, it has been classified as a Variant of Uncertain Significance. Algorithms developed to predict the effect of missense changes on protein structure and function (SIFT, PolyPhen-2, Align-GVGD) all suggest that this variant is likely to be tolerated. This variant has not been reported in the literature in individuals affected with IFIH1-related conditions. This variant is not present in population databases (gnomAD no frequency). This sequence change replaces histidine, which is basic and polar, with arginine, which is basic and polar, at codon 111 of the IFIH1 protein (p.His111Arg).

NM_022168.4(IFIH1):c.332A>G (p.His111Arg)

Gene: IFIH1 (interferon induced with helicase C domain 1; minus strand). Cytogenetic location: 2q24.2.
Variant type: single nucleotide variant.
Coding change: c.332A>G on transcript NM_022168.4 (MANE Select); coding-DNA position 332, A replaced by G.
Protein change: p.His111Arg; replaces histidine 111 with arginine.
Molecular consequence: missense variant.
Genome position (GRCh38, 1-based): chr2:162,317,976, T>C on the plus strand (A>G on the coding strand, the complement: IFIH1 is on the minus strand). VCF-style: chr2-162317976-T-C. GRCh37 (hg19) VCF-style: chr2-163174486-T-C.
Other names: short protein forms H111R.
Identifiers: ClinVar variation 1478278 (VCV001478278.6), dbSNP rs2105237997, ClinGen allele CA349013594.